The following is an entry in ClinVar:

NM_001242.5(CD27):c.391C>T (p.Arg131Trp)

Genes: CD27 (CD27 molecule; plus strand), CD27-AS1 (CD27 antisense RNA 1; minus strand). Cytogenetic location: 12p13.31.
Variant type: single nucleotide variant.
Coding change: c.391C>T on transcript NM_001242.5 (MANE Select); coding-DNA position 391, C replaced by T.
Protein change: p.Arg131Trp; replaces arginine 131 with tryptophan.
Molecular consequence: missense variant.
Genome position (GRCh38, 1-based): chr12:6,450,295, C>T. VCF-style: chr12-6450295-C-T. GRCh37 (hg19) VCF-style: chr12-6559461-C-T.
Other names: p.Arg131Trp; short protein forms R131W.
Identifiers: ClinVar variation 847571 (VCV000847571.9), dbSNP rs150578547, ClinGen allele CA6406957.

ClinVar aggregate classification (germline): Conflicting classifications of pathogenicity. Review status: criteria provided, conflicting classifications (1 of 4 stars). 4 submissions from 4 submitters: Uncertain significance (3); Likely benign (1). Last evaluated 2025-12-11.

Conditions:
Lymphoproliferative syndrome 2 (LPFS2). Also called: Combined immunodeficiency due to CD27 deficiency; CD27 DEFICIENCY. Identifiers: Orphanet 238505, MedGen C3554540, MONDO:0014054, OMIM 615122.

Allele frequency attached by ClinVar (database versions not stated): gnomAD exomes 0.00004 and 0.00011; ExAC 0.00017; 1000 Genomes Project 30x 0.00031; 1000 Genomes Project 0.00040; TOPMed 0.00053; gnomAD 0.00062 and 0.00066; ESP Exome Variant Server 0.00085.
gnomAD v4.1: 153 of 1,613,744 alleles (0.0095%); highest among the groups gnomAD compares: African/African-American, 0.17%; no homozygotes.

Submissions (4):

Labcorp Genetics (formerly Invitae), Labcorp
Classification: Uncertain significance for Lymphoproliferative syndrome 2. Last evaluated: 2025-12-11. Review status: criteria provided, single submitter. Criteria: Invitae Variant Classification Sherloc (09022015). Collection method: clinical testing. Allele origin: germline.
Comment: This sequence change replaces arginine, which is basic and polar, with tryptophan, which is neutral and slightly polar, at codon 131 of the CD27 protein (p.Arg131Trp). This variant is present in population databases (rs150578547, gnomAD 0.2%). This variant has not been reported in the literature in individuals affected with CD27-related conditions. ClinVar contains an entry for this variant (Variation ID: 847571). Invitae Evidence Modeling of protein sequence and biophysical properties (such as structural, functional, and spatial information, amino acid conservation, physicochemical variation, residue mobility, and thermodynamic stability) indicates that this missense variant is not expected to disrupt CD27 protein function with a negative predictive value of 80%. In summary, the available evidence is currently insufficient to determine the role of this variant in disease. Therefore, it has been classified as a Variant of Uncertain Significance.

Fulgent Genetics
Classification: Uncertain significance for Lymphoproliferative syndrome 2. Last evaluated: 2024-01-30. Review status: criteria provided, single submitter. Criteria: ACMG Guidelines, 2015. Collection method: clinical testing. Allele origin: germline.

Mayo Clinic Laboratories, Mayo Clinic
Classification: Uncertain significance. Last evaluated: 2023-07-31. Review status: criteria provided, single submitter. Criteria: ACMG Guidelines, 2015. Collection method: clinical testing. Allele origin: germline. Observed: 1 variant allele.
Comment: BP4

Blueprint Genetics
Classification: Likely benign. Last evaluated: 2022-08-08. Review status: criteria provided, single submitter. Criteria: ACMG Guidelines, 2015. Collection method: clinical testing. Allele origin: germline.